The following is an entry in ClinVar:

ClinVar aggregate classification (germline): Uncertain significance. Review status: criteria provided, multiple submitters, no conflicts (2 of 4 stars). 2 submissions from 2 submitters: Uncertain significance (2). Last evaluated 2026-03-16.

Conditions:
Hereditary cancer-predisposing syndrome. Also called: Neoplastic Syndromes, Hereditary; Hereditary Cancer Syndrome; Hereditary neoplastic syndrome; Tumor predisposition. Identifiers: Orphanet 140162, MedGen C0027672, MeSH D009386, MONDO:0015356.
Gastrointestinal stromal tumor. Also called: Gastrointestinal stromal tumor, somatic; Gastrointestinal stroma tumor. Identifiers: Orphanet 44890, MedGen C0238198, MeSH D046152, MONDO:0011719, OMIM 606764, HP:0100723.

Allele frequency attached by ClinVar (database versions not stated): gnomAD exomes below 0.00001.
gnomAD v4.1: 4 of 1,613,444 alleles (0.00025%); highest among the groups gnomAD compares: Non-Finnish European, 0.00017%; no homozygotes.

Submissions (2):

Ambry Genetics
Classification: Uncertain significance for Hereditary cancer-predisposing syndrome. Last evaluated: 2026-03-16. Review status: criteria provided, single submitter. Criteria: Ambry Variant Classification Scheme 2023. Collection method: clinical testing. Allele origin: germline.
Comment: The p.S541L variant (also known as c.1622C>T), located in coding exon 10 of the PDGFRA gene, results from a C to T substitution at nucleotide position 1622. The serine at codon 541 is replaced by leucine, an amino acid with dissimilar properties. This amino acid position is conserved. In addition, the in silico prediction for this alteration is inconclusive. Based on the available evidence, the clinical significance of this variant remains unclear.

Labcorp Genetics (formerly Invitae), Labcorp
Classification: Uncertain significance for Gastrointestinal stromal tumor. Last evaluated: 2025-05-08. Review status: criteria provided, single submitter. Criteria: Invitae Variant Classification Sherloc (09022015). Collection method: clinical testing. Allele origin: germline.
Comment: This sequence change replaces serine, which is neutral and polar, with leucine, which is neutral and non-polar, at codon 541 of the PDGFRA protein (p.Ser541Leu). This variant is not present in population databases (gnomAD no frequency). This variant has not been reported in the literature in individuals affected with PDGFRA-related conditions. ClinVar contains an entry for this variant (Variation ID: 1011099). Invitae Evidence Modeling of protein sequence and biophysical properties (such as structural, functional, and spatial information, amino acid conservation, physicochemical variation, residue mobility, and thermodynamic stability) indicates that this missense variant is not expected to disrupt PDGFRA protein function with a negative predictive value of 80%. In summary, the available evidence is currently insufficient to determine the role of this variant in disease. Therefore, it has been classified as a Variant of Uncertain Significance.

NM_006206.6(PDGFRA):c.1622C>T (p.Ser541Leu)

Gene: PDGFRA (platelet derived growth factor receptor alpha; plus strand). Cytogenetic location: 4q12.
Variant type: single nucleotide variant.
Coding change: c.1622C>T on transcript NM_006206.6 (MANE Select); coding-DNA position 1622, C replaced by T.
Protein change: p.Ser541Leu; replaces serine 541 with leucine.
Molecular consequence: missense variant.
Genome position (GRCh38, 1-based): chr4:54,274,594, C>T. VCF-style: chr4-54274594-C-T. GRCh37 (hg19) VCF-style: chr4-55140761-C-T.
Other names: c.1622C>T (NM_006206.4); c.1622C>T, p.Ser541Leu (NM_001347827.2, NM_001347829.2); c.1697C>T, p.Ser566Leu (NM_001347828.2); c.1661C>T, p.Ser554Leu (NM_001347830.2); short protein forms S541L, S554L, S566L.
Identifiers: ClinVar variation 1011099 (VCV001011099.10), dbSNP rs1723606312, ClinGen allele CA356892945.